The following is an entry in ClinVar:

NM_000038.6(APC):c.423-8_423-7delinsT

Gene: APC (APC regulator of Wnt signaling pathway; plus strand). Cytogenetic location: 5q22.2.
Variant type: Indel.
Coding change: c.423-8_423-7delinsT on transcript NM_000038.6 (MANE Select); 8 bases into the intron before coding-DNA position 423 through 7 bases into the intron before coding-DNA position 423, AA replaced by T.
Molecular consequence: intron variant.
Genome position (GRCh38, 1-based): chr5:112,775,621-112,775,622, AA replaced by T. VCF-style: chr5-112775621-AA-T. GRCh37 (hg19) VCF-style: chr5-112111318-AA-T.
Other names: c.-613-8_-613-7delinsT (NM_001407470.1, NM_001407472.1, NM_001354906.2 and 1 more transcripts); c.423-8_423-7delinsT (NM_001407447.1, NM_001354895.2, NM_001407456.1 and 16 more transcripts); c.453-8_453-7delinsT (NM_001407446.1, NM_001354897.2, NM_001354902.2 and 1 more transcripts); c.246-8_246-7delinsT (NM_001407453.1, NM_001354900.2, NM_001354901.2 and 1 more transcripts); c.348-8_348-7delinsT (NM_001407451.1, NM_001354898.2, NM_001354904.2).
Identifiers: ClinVar variation 3148514 (VCV003148514.1), dbSNP rs2532409782, ClinGen allele CA2825001332.
Genomic context (GRCh38, chr5:112,775,621, plus strand): 5'-AGTATTGCTCTTCTGCAGTCTTTATTAGCATTGTTTAAACGTACCTTTTTTTAAAAAAAA[AA>T]AAATAGGTCATTGCTTCTTGCTGATCTTGACAAAGAAGAAAAGGAAAAAGACTGGTATTA-3'

ClinVar aggregate classification (germline): Likely benign (1 of 4 stars; one submission).

Conditions:
Familial adenomatous polyposis 1 (FAP1). Also called: POLYPOSIS, ADENOMATOUS INTESTINAL; FAMILIAL ADENOMATOUS POLYPOSIS 1, ATTENUATED. Identifiers: MedGen C2713442, MONDO:0021056, OMIM 175100. Disease mechanism: loss of function.

Submission:

Myriad Genetics, Inc.
Classification: Likely benign for Familial adenomatous polyposis 1. Last evaluated: 2024-02-23. Review status: criteria provided, single submitter. Criteria: Myriad Autosomal Dominant, Autosomal Recessive and X-Linked Classification Criteria (2023). Collection method: clinical testing. Allele origin: unknown.
Comment: This variant is considered likely benign. This variant is intronic and is not expected to impact mRNA splicing.